The following is an entry in ClinVar:

ClinVar aggregate classification (germline): Uncertain significance (1 of 4 stars; one submission).

Submission:

Labcorp Genetics (formerly Invitae), Labcorp
Classification: Uncertain significance. Last evaluated: 2022-02-18. Review status: criteria provided, single submitter. Criteria: Invitae Variant Classification Sherloc (09022015). Collection method: clinical testing. Allele origin: germline.
Comment: In summary, the available evidence is currently insufficient to determine the role of this variant in disease. Therefore, it has been classified as a Variant of Uncertain Significance. Algorithms developed to predict the effect of missense changes on protein structure and function are either unavailable or do not agree on the potential impact of this missense change (SIFT: "Deleterious"; PolyPhen-2: "Probably Damaging"; Align-GVGD: "Class C0"). This variant has not been reported in the literature in individuals affected with RCBTB1-related conditions. This variant is not present in population databases (gnomAD no frequency). This sequence change replaces alanine, which is neutral and non-polar, with glycine, which is neutral and non-polar, at codon 523 of the RCBTB1 protein (p.Ala523Gly).

NM_018191.4(RCBTB1):c.1568C>G (p.Ala523Gly)

Gene: RCBTB1 (RCC1 and BTB domain containing protein 1; minus strand). Cytogenetic location: 13q14.2.
Variant type: single nucleotide variant.
Coding change: c.1568C>G on transcript NM_018191.4 (MANE Select); coding-DNA position 1568, C replaced by G.
Protein change: p.Ala523Gly; replaces alanine 523 with glycine.
Molecular consequence: missense variant. On other transcripts: non-coding transcript variant (2).
Genome position (GRCh38, 1-based): chr13:49,534,150, G>C on the plus strand (C>G on the coding strand, the complement: RCBTB1 is on the minus strand). VCF-style: chr13-49534150-G-C. GRCh37 (hg19) VCF-style: chr13-50108286-G-C.
Other names: c.1568C>G, p.Ala523Gly (NM_001352500.2, NM_001352501.2, NM_001352502.2 and 1 more transcripts); c.989C>G, p.Ala330Gly (NM_001352506.2); short protein forms A330G, A523G.
Identifiers: ClinVar variation 1965279 (VCV001965279.5), dbSNP rs2547407552, ClinGen allele CA388184909.